The following is an entry in ClinVar:

NM_001171613.2(PREPL):c.211T>A (p.Cys71Ser)

Gene: PREPL (prolyl endopeptidase like; minus strand). Cytogenetic location: 2p21.
Variant type: single nucleotide variant.
Coding change: c.211T>A on transcript NM_001171613.2 (MANE Select); coding-DNA position 211, T replaced by A.
Protein change: p.Cys71Ser; replaces cysteine 71 with serine.
Molecular consequence: missense variant.
Genome position (GRCh38, 1-based): chr2:44,343,883, A>T on the plus strand (T>A on the coding strand, the complement: PREPL is on the minus strand). VCF-style: chr2-44343883-A-T. GRCh37 (hg19) VCF-style: chr2-44571022-A-T.
Other names: c.478T>A, p.Cys160Ser (NM_001042385.2, NM_001042386.2, NM_001171603.1 and 4 more transcripts); c.211T>A, p.Cys71Ser (NM_001171617.1, NM_001374277.1); short protein forms C160S, C71S.
Identifiers: ClinVar variation 2064519 (VCV002064519.4), dbSNP rs1366252675, ClinGen allele CA346693521.
Genomic context (GRCh38, chr2:44,343,883, plus strand): 5'-CAGAATCTTCAGTTCTTATCTTGGCAGCCACATATTTTTCATCTGGAGCAACTCTGATAC[A>T]ATCAATGAAGGGCTGGTCTAACTTAAGTTCCTCCAAATTGAATAAAACTTCATAATTATC-3'
Protein context (NP_001165084.1, residues 61-81): ELKLDQPFID[Cys71Ser]IRVAPDEKYV

ClinVar aggregate classification (germline): Uncertain significance (1 of 4 stars; one submission).

Conditions:
Myasthenic syndrome, congenital, 22 (CMS22). Also called: PREPL DEFICIENCY. Identifiers: MedGen C4479088, MONDO:0044299, OMIM 616224.

Submission:

Labcorp Genetics (formerly Invitae), Labcorp
Classification: Uncertain significance for Myasthenic syndrome, congenital, 22. Last evaluated: 2022-11-15. Review status: criteria provided, single submitter. Criteria: Invitae Variant Classification Sherloc (09022015). Collection method: clinical testing. Allele origin: germline.
Comment: In summary, the available evidence is currently insufficient to determine the role of this variant in disease. Therefore, it has been classified as a Variant of Uncertain Significance. Advanced modeling of protein sequence and biophysical properties (such as structural, functional, and spatial information, amino acid conservation, physicochemical variation, residue mobility, and thermodynamic stability) performed at Invitae indicates that this missense variant is not expected to disrupt PREPL protein function. This variant has not been reported in the literature in individuals affected with PREPL-related conditions. This variant is not present in population databases (gnomAD no frequency). This sequence change replaces cysteine, which is neutral and slightly polar, with serine, which is neutral and polar, at codon 160 of the PREPL protein (p.Cys160Ser).